The following is an entry in ClinVar:

NM_015512.5(DNAH1):c.11230C>T (p.Arg3744Cys)

Gene: DNAH1 (dynein axonemal heavy chain 1; plus strand). Cytogenetic location: 3p21.1.
Variant type: single nucleotide variant.
Coding change: c.11230C>T on transcript NM_015512.5 (MANE Select); coding-DNA position 11230, C replaced by T.
Protein change: p.Arg3744Cys; replaces arginine 3744 with cysteine.
Molecular consequence: missense variant.
Genome position (GRCh38, 1-based): chr3:52,395,649, C>T. VCF-style: chr3-52395649-C-T. GRCh37 (hg19) VCF-style: chr3-52429665-C-T.
Other names: p.Arg3744Cys; short protein forms R3744C.
Identifiers: ClinVar variation 478396 (VCV000478396.25), dbSNP rs419752, ClinGen allele CA2436093.

ClinVar aggregate classification (germline): Benign/Likely benign. Review status: criteria provided, multiple submitters, no conflicts (2 of 4 stars). 5 submissions from 5 submitters: Benign (3); Likely benign (2). Last evaluated 2026-02-04.

Conditions:
Spermatogenic failure 18. Identifiers: MedGen C4539783, MONDO:0054615, OMIM 617576.
Ciliary dyskinesia, primary, 37 (CILD37). Also called: CILIARY DYSKINESIA, PRIMARY, 37, WITH OR WITHOUT SITUS INVERSUS. Identifiers: MedGen C4539798, MONDO:0033204, OMIM 617577.

Allele frequency attached by ClinVar (database versions not stated): 1000 Genomes Project 30x 0.02936; 1000 Genomes Project 0.02995; gnomAD exomes 0.03722 and 0.04508; gnomAD 0.03757 and 0.03813; ExAC 0.03811; ESP Exome Variant Server 0.03931; TOPMed 0.03946.
gnomAD v4.1: 71,755 of 1,613,794 alleles (4.4%); highest among the groups gnomAD compares: Non-Finnish European, 5%; 1,775 homozygotes.

Submissions (5):

Labcorp Genetics (formerly Invitae), Labcorp
Classification: Benign for Ciliary dyskinesia, primary, 37; Spermatogenic failure 18. Last evaluated: 2026-02-04. Review status: criteria provided, single submitter. Criteria: Invitae Variant Classification Sherloc (09022015). Collection method: clinical testing. Allele origin: germline.

ARUP Laboratories, Molecular Genetics and Genomics, ARUP Laboratories
Classification: Benign. Last evaluated: 2025-07-11. Review status: criteria provided, single submitter. Criteria: ARUP Molecular Germline Variant Investigation Process 2024. Collection method: clinical testing. Allele origin: germline.

Mayo Clinic Laboratories, Mayo Clinic
Classification: Benign. Last evaluated: 2023-04-25. Review status: criteria provided, single submitter. Criteria: ACMG Guidelines, 2015. Collection method: clinical testing. Allele origin: germline. Observed: 16 variant alleles.
Comment: BA1, BP4

GeneDx
Classification: Likely benign. Last evaluated: 2018-07-09. Review status: criteria provided, single submitter. Criteria: GeneDx Variant Classification Process June 2021. Collection method: clinical testing. Allele origin: germline. Affected: yes.
Comment: This variant is associated with the following publications: (PMID: 31213628)

Breakthrough Genomics
Classification: Likely benign. Review status: criteria provided, single submitter. Criteria: ACMG Guidelines, 2015. Collection method: not provided. Allele origin: germline. Inheritance: Autosomal recessive inheritance. Affected: yes.